The following is an entry in ClinVar:

NM_001999.4(FBN2):c.6267A>G (p.Leu2089=)

Gene: FBN2 (fibrillin 2; minus strand). Cytogenetic location: 5q23.3.
Variant type: single nucleotide variant.
Coding change: c.6267A>G on transcript NM_001999.4 (MANE Select); coding-DNA position 6267, A replaced by G.
Protein change: p.Leu2089=; no amino-acid change (leucine 2089 retained).
Molecular consequence: synonymous variant.
Genome position (GRCh38, 1-based): chr5:128,291,554, T>C on the plus strand (A>G on the coding strand, the complement: FBN2 is on the minus strand). VCF-style: chr5-128291554-T-C. GRCh37 (hg19) VCF-style: chr5-127627246-T-C.
Identifiers: ClinVar variation 4085423 (VCV004085423.8).

ClinVar aggregate classification (germline): Likely benign (1 of 4 stars; one submission).

gnomAD v4.1: 3 of 1,613,966 alleles (0.00019%); highest among the groups gnomAD compares: South Asian, 0.0022%; no homozygotes.

Submission:

CeGaT Center for Human Genetics Tuebingen
Classification: Likely benign. Last evaluated: 2025-07-01. Review status: criteria provided, single submitter. Criteria: CeGaT Center For Human Genetics Tuebingen Variant Classification Criteria Version 2. Collection method: clinical testing. Allele origin: germline. Affected: yes. Observed: 1 variant allele.
Comment: FBN2: BP4, BP7